The following is an entry in ClinVar:

NM_001145809.2(MYH14):c.1619T>C (p.Leu540Pro)

Gene: MYH14 (myosin heavy chain 14; plus strand). Cytogenetic location: 19q13.33.
Variant type: single nucleotide variant.
Coding change: c.1619T>C on transcript NM_001145809.2 (MANE Select); coding-DNA position 1619, T replaced by C.
Protein change: p.Leu540Pro; replaces leucine 540 with proline.
Molecular consequence: missense variant.
Genome position (GRCh38, 1-based): chr19:50,249,786, T>C. VCF-style: chr19-50249786-T-C. GRCh37 (hg19) VCF-style: chr19-50753043-T-C.
Other names: c.1619T>C, p.Leu540Pro (NM_001077186.2); c.1595T>C, p.Leu532Pro (NM_024729.4); short protein forms L532P, L540P.
Identifiers: ClinVar variation 2572694 (VCV002572694.1), dbSNP rs2514360113, ClinGen allele CA406959825.

ClinVar aggregate classification (germline): Uncertain significance (1 of 4 stars; one submission).

Submission:

GeneDx
Classification: Uncertain significance. Last evaluated: 2023-01-12. Review status: criteria provided, single submitter. Criteria: GeneDx Variant Classification Process June 2021. Collection method: clinical testing. Allele origin: germline. Affected: yes.
Comment: Not observed at significant frequency in large population cohorts (gnomAD); In silico analysis supports that this missense variant has a deleterious effect on protein structure/function; Has not been previously published as pathogenic or benign to our knowledge